The following is an entry in ClinVar:

ClinVar aggregate classification (germline): Uncertain significance. Review status: criteria provided, multiple submitters, no conflicts (2 of 4 stars). 3 submissions from 3 submitters: Uncertain significance (3). Last evaluated 2025-02-03.

Conditions:
Hereditary cancer-predisposing syndrome. Also called: Neoplastic Syndromes, Hereditary; Tumor predisposition; Hereditary Cancer Syndrome; Hereditary neoplastic syndrome. Identifiers: Orphanet 140162, MedGen C0027672, MeSH D009386, MONDO:0015356.
Neurofibromatosis, type 2 (SWNV). Also called: BILATERAL ACOUSTIC NEUROFIBROMATOSIS; SCHWANNOMATOSIS, VESTIBULAR; NF2-Related Schwannomatosis. Identifiers: Orphanet 637, MedGen C0027832, MONDO:0007039, OMIM 101000. Disease mechanism: loss of function.

Submissions (3):

Ambry Genetics
Classification: Uncertain significance for Hereditary cancer-predisposing syndrome. Last evaluated: 2025-02-03. Review status: criteria provided, single submitter. Criteria: Ambry Variant Classification Scheme 2023. Collection method: clinical testing. Allele origin: germline.
Comment: The p.V50M variant (also known as c.148G>A), located in coding exon 2 of the NF2 gene, results from a G to A substitution at nucleotide position 148. The valine at codon 50 is replaced by methionine, an amino acid with highly similar properties. This amino acid position is conserved. In addition, this alteration is predicted to be deleterious by in silico analysis. Based on the available evidence, the clinical significance of this variant remains unclear.

All of Us Research Program, National Institutes of Health
Classification: Uncertain significance for Neurofibromatosis, type 2. Last evaluated: 2023-05-04. Review status: criteria provided, single submitter. Criteria: ACMG Guidelines, 2015. Collection method: clinical testing. Allele origin: germline. Inheritance: Autosomal dominant inheritance. Observed: 1 variant allele, 1 heterozygote.
Comment: This missense variant replaces valine with methionine at codon 50 of the NF2 protein. Computational prediction is inconclusive regarding the impact of this variant on protein structure and function (internally defined REVEL score threshold 0.5 < inconclusive < 0.7, PMID: 27666373). To our knowledge, functional studies have not been reported for this variant. This variant has not been reported in individuals affected with NF2-related disorders in the literature. This variant has not been identified in the general population by the Genome Aggregation Database (gnomAD). The available evidence is insufficient to determine the role of this variant in disease conclusively. Therefore, this variant is classified as a Variant of Uncertain Significance.

This study involves interpretation of variants in research participants for the purpose of population health screening. Participant phenotype was not available at the time of variant classification. Additional details can be found in publication PMID: 35346344, PMCID: PMC8962531

Labcorp Genetics (formerly Invitae), Labcorp
Classification: Uncertain significance for Neurofibromatosis, type 2. Last evaluated: 2022-07-12. Review status: criteria provided, single submitter. Criteria: Invitae Variant Classification Sherloc (09022015). Collection method: clinical testing. Allele origin: germline.
Comment: In summary, the available evidence is currently insufficient to determine the role of this variant in disease. Therefore, it has been classified as a Variant of Uncertain Significance. Algorithms developed to predict the effect of missense changes on protein structure and function are either unavailable or do not agree on the potential impact of this missense change (SIFT: "Deleterious"; PolyPhen-2: "Probably Damaging"; Align-GVGD: "Class C15"). This variant has not been reported in the literature in individuals affected with NF2-related conditions. This variant is not present in population databases (gnomAD no frequency). This sequence change replaces valine, which is neutral and non-polar, with methionine, which is neutral and non-polar, at codon 50 of the NF2 protein (p.Val50Met).

NM_000268.4(NF2):c.148G>A (p.Val50Met)

Gene: NF2 (NF2, moesin-ezrin-radixin like (MERLIN) tumor suppressor; plus strand). Cytogenetic location: 22q12.2.
Variant type: single nucleotide variant.
Coding change: c.148G>A on transcript NM_000268.4 (MANE Select); coding-DNA position 148, G replaced by A.
Protein change: p.Val50Met; replaces valine 50 with methionine.
Molecular consequence: missense variant. On other transcripts: non-coding transcript variant (1), intron variant (3).
Genome position (GRCh38, 1-based): chr22:29,636,784, G>A. VCF-style: chr22-29636784-G-A. GRCh37 (hg19) VCF-style: chr22-30032773-G-A.
Other names: c.34G>A, p.Val12Met (NM_001407053.1, NM_001407056.1); c.148G>A, p.Val50Met (NM_001407054.1, NM_001407057.1, NM_001407058.1 and 9 more transcripts); c.-493G>A (NM_001407065.1); c.-109G>A (NM_001407067.1); c.115-2306G>A (NM_181828.3); c.115-5418G>A (NM_181830.3, NM_181831.3); short protein forms V12M, V50M.
Identifiers: ClinVar variation 2180108 (VCV002180108.6), dbSNP rs2146852310, ClinGen allele CA411152486.